The following is an entry in ClinVar:

NM_004560.4(ROR2):c.277G>A (p.Val93Met)

Gene: ROR2 (receptor tyrosine kinase like orphan receptor 2; minus strand). Cytogenetic location: 9q22.31.
Variant type: single nucleotide variant.
Coding change: c.277G>A on transcript NM_004560.4 (MANE Select); coding-DNA position 277, G replaced by A.
Protein change: p.Val93Met; replaces valine 93 with methionine.
Molecular consequence: missense variant.
Genome position (GRCh38, 1-based): chr9:91,757,458, C>T on the plus strand (G>A on the coding strand, the complement: ROR2 is on the minus strand). VCF-style: chr9-91757458-C-T. GRCh37 (hg19) VCF-style: chr9-94519740-C-T.
Other names: c.277G>A, p.Val93Met (NM_001318204.2); short protein forms V93M.
Identifiers: ClinVar variation 2787399 (VCV002787399.3), dbSNP rs567141196, ClinGen allele CA195975356.

ClinVar aggregate classification (germline): Uncertain significance (1 of 4 stars; one submission).

Allele frequency attached by ClinVar (database versions not stated): gnomAD exomes 0.00001; TOPMed 0.00001.
gnomAD v4.1: 14 of 1,613,860 alleles (0.00087%); highest among the groups gnomAD compares: South Asian, 0.0022%; no homozygotes.

Submission:

Labcorp Genetics (formerly Invitae), Labcorp
Classification: Uncertain significance. Last evaluated: 2023-08-23. Review status: criteria provided, single submitter. Criteria: Invitae Variant Classification Sherloc (09022015). Collection method: clinical testing. Allele origin: germline.
Comment: This variant is present in population databases (rs567141196, gnomAD 0.003%). In summary, the available evidence is currently insufficient to determine the role of this variant in disease. Therefore, it has been classified as a Variant of Uncertain Significance. Advanced modeling of protein sequence and biophysical properties (such as structural, functional, and spatial information, amino acid conservation, physicochemical variation, residue mobility, and thermodynamic stability) performed at Invitae indicates that this missense variant is not expected to disrupt ROR2 protein function. This variant has not been reported in the literature in individuals affected with ROR2-related conditions. This sequence change replaces valine, which is neutral and non-polar, with methionine, which is neutral and non-polar, at codon 93 of the ROR2 protein (p.Val93Met).